The following is an entry in ClinVar:

NC_000015.9:g.(?_91478555)_(91479232_?)del

Gene: UNC45A (unc-45 myosin chaperone A; plus strand). Cytogenetic location: 15q26.1.
Variant type: Deletion.
Identifiers: ClinVar variation 1412168 (VCV001412168.4).

ClinVar aggregate classification (germline): Uncertain significance (1 of 4 stars; one submission).

Submission:

Labcorp Genetics (formerly Invitae), Labcorp
Classification: Uncertain significance. Last evaluated: 2021-08-12. Review status: criteria provided, single submitter. Criteria: Invitae Variant Classification Sherloc (09022015). Collection method: clinical testing. Allele origin: germline.
Comment: In summary, the available evidence is currently insufficient to determine the role of this variant in disease. Therefore, it has been classified as a Variant of Uncertain Significance. Experimental studies and prediction algorithms are not available or were not evaluated, and the functional significance of this variant is currently unknown. This variant has not been reported in the literature in individuals affected with UNC45A-related conditions. This variant is a gross deletion of the genomic region encompassing exon(s) 1-3 of the UNC45A gene, which includes the initiator codon. This deletion extends beyond the assayed region for this gene and therefore may encompass additional genes. It is expected to result in an absent or disrupted protein product. However, the current clinical and genetic evidence is not sufficient to establish whether loss-of-function variants in UNC45A cause disease.